The following is an entry in ClinVar:

NM_000562.3(C8A):c.630C>A (p.Tyr210Ter)

Gene: C8A (complement C8 alpha chain; plus strand). Cytogenetic location: 1p32.2.
Variant type: single nucleotide variant.
Coding change: c.630C>A on transcript NM_000562.3 (MANE Select); coding-DNA position 630, C replaced by A.
Protein change: p.Tyr210Ter; replaces tyrosine 210 with a stop codon.
Molecular consequence: nonsense.
Genome position (GRCh38, 1-based): chr1:56,881,610, C>A. VCF-style: chr1-56881610-C-A. GRCh37 (hg19) VCF-style: chr1-57347283-C-A.
Other names: short protein forms Y210*.
Identifiers: ClinVar variation 1028843 (VCV001028843.8), dbSNP rs748306602, ClinGen allele CA875100.
Genomic context (GRCh38, chr1:56,881,610, plus strand): 5'-TGACTCCACCTGTGAACGTCTCTACTATGGAGATGATGAGAAATACTTTCGGAAACCCTA[C>A]AACTTTCTGAAGTACCACTTTGAAGTAAGTCTGAACAGAGGGGCTCTGAGGCCACTGTGG-3'

ClinVar aggregate classification (germline): Pathogenic/Likely pathogenic. Review status: criteria provided, multiple submitters, no conflicts (2 of 4 stars). 3 submissions from 3 submitters: Pathogenic (2); Likely pathogenic (1). Last evaluated 2024-12-19.

Conditions:
Type I complement component 8 deficiency. Also called: C8AG DEFICIENCY; C8 ALPHA-GAMMA DEFICIENCY; COMPLEMENT C8 DEFICIENCY, TYPE I. Identifiers: MedGen C3151081, MONDO:0013422, OMIM 613790.

Allele frequency attached by ClinVar (database versions not stated): TOPMed below 0.00001; gnomAD 0.00001; gnomAD exomes 0.00001 and 0.00002; ExAC 0.00002.
gnomAD v4.1: 13 of 1,613,416 alleles (0.00081%); highest among the groups gnomAD compares: Middle Eastern, 0.052%; no homozygotes.

Submissions (3):

Revvity Omics, Revvity
Classification: Pathogenic for Type I complement component 8 deficiency. Last evaluated: 2024-12-19. Review status: criteria provided, single submitter. Criteria: ACMG Guidelines, 2015. Collection method: clinical testing. Allele origin: germline.

Genomic Medicine Center of Excellence, King Faisal Specialist Hospital and Research Centre
Classification: Likely pathogenic for Type I complement component 8 deficiency. Last evaluated: 2024-04-04. Review status: criteria provided, single submitter. Criteria: ACMG Guidelines, 2015. Collection method: clinical testing. Allele origin: germline.

Labcorp Genetics (formerly Invitae), Labcorp
Classification: Pathogenic. Last evaluated: 2024-03-04. Review status: criteria provided, single submitter. Criteria: Invitae Variant Classification Sherloc (09022015). Collection method: clinical testing. Allele origin: germline.
Comment: This sequence change creates a premature translational stop signal (p.Tyr210*) in the C8A gene. It is expected to result in an absent or disrupted protein product. Loss-of-function variants in C8A are known to be pathogenic (PMID: 9759902). This variant is present in population databases (rs748306602, gnomAD 0.006%). This variant has not been reported in the literature in individuals affected with C8A-related conditions. ClinVar contains an entry for this variant (Variation ID: 1028843). For these reasons, this variant has been classified as Pathogenic.

Literature cited by the submitters: PubMed 9759902 (cited by Labcorp Genetics (formerly Invitae), Labcorp).